The following is an entry in ClinVar:

NM_001163435.3(TBCK):c.1778A>G (p.Tyr593Cys)

Gene: TBCK (TBC1 domain containing kinase; minus strand). Cytogenetic location: 4q24.
Variant type: single nucleotide variant.
Coding change: c.1778A>G on transcript NM_001163435.3 (MANE Select); coding-DNA position 1778, A replaced by G.
Protein change: p.Tyr593Cys; replaces tyrosine 593 with cysteine.
Molecular consequence: missense variant.
Genome position (GRCh38, 1-based): chr4:106,212,832, T>C on the plus strand (A>G on the coding strand, the complement: TBCK is on the minus strand). VCF-style: chr4-106212832-T-C. GRCh37 (hg19) VCF-style: chr4-107133989-T-C.
Other names: c.1778A>G, p.Tyr593Cys (NM_001163436.4); c.1661A>G, p.Tyr554Cys (NM_001163437.3); c.1262A>G, p.Tyr421Cys (NM_001290768.2); c.1589A>G, p.Tyr530Cys (NM_033115.5); short protein forms Y554C, Y421C, Y530C, Y593C.
Identifiers: ClinVar variation 4774012 (VCV004774012.1).

ClinVar aggregate classification (germline): Uncertain significance (1 of 4 stars; one submission).

gnomAD v4.1: 8 of 1,607,612 alleles (0.0005%); highest among the groups gnomAD compares: Admixed American, 0.0017%; no homozygotes.

Submission:

Labcorp Genetics (formerly Invitae), Labcorp
Classification: Uncertain significance. Last evaluated: 2025-08-14. Review status: criteria provided, single submitter. Criteria: Invitae Variant Classification Sherloc (09022015). Collection method: clinical testing. Allele origin: germline.
Comment: This sequence change replaces tyrosine, which is neutral and polar, with cysteine, which is neutral and slightly polar, at codon 593 of the TBCK protein (p.Tyr593Cys). This variant is not present in population databases (gnomAD no frequency). This variant has not been reported in the literature in individuals affected with TBCK-related conditions. Invitae Evidence Modeling of protein sequence and biophysical properties (such as structural, functional, and spatial information, amino acid conservation, physicochemical variation, residue mobility, and thermodynamic stability) indicates that this missense variant is expected to disrupt TBCK protein function with a positive predictive value of 80%. In summary, the available evidence is currently insufficient to determine the role of this variant in disease. Therefore, it has been classified as a Variant of Uncertain Significance.